The following is an entry in ClinVar:

NM_182961.4(SYNE1):c.5390T>C (p.Met1797Thr)

Gene: SYNE1 (spectrin repeat containing nuclear envelope protein 1; minus strand). Cytogenetic location: 6q25.2.
Variant type: single nucleotide variant.
Coding change: c.5390T>C on transcript NM_182961.4 (MANE Select); coding-DNA position 5390, T replaced by C.
Protein change: p.Met1797Thr; replaces methionine 1797 with threonine.
Molecular consequence: missense variant.
Genome position (GRCh38, 1-based): chr6:152,419,600, A>G on the plus strand (T>C on the coding strand, the complement: SYNE1 is on the minus strand). VCF-style: chr6-152419600-A-G. GRCh37 (hg19) VCF-style: chr6-152740735-A-G.
Other names: c.5411T>C, p.Met1804Thr (NM_033071.5); short protein forms M1797T, M1804T.
Identifiers: ClinVar variation 471049 (VCV000471049.9), dbSNP rs1481121106, ClinGen allele CA366135808.

ClinVar aggregate classification (germline): Uncertain significance. Review status: criteria provided, multiple submitters, no conflicts (2 of 4 stars). 2 submissions from 2 submitters: Uncertain significance (2). Last evaluated 2025-08-18.

Conditions:
Emery-Dreifuss muscular dystrophy 4, autosomal dominant (EDMD4). Also called: EMERY-DREIFUSS MUSCULAR DYSTROPHY 4 WITH VARIABLE FEATURES. Identifiers: Orphanet 261, MedGen C2751807, MONDO:0013071, OMIM 612998.
Autosomal recessive ataxia, Beauce type. Also called: SYNE1-Related Autosomal Recessive Cerebellar Ataxia; Spinocerebellar ataxia, autosomal recessive 8; ATAXIA, RECESSIVE, OF BEAUCE; SYNE1 Deficiency. Identifiers: Orphanet 88644, MedGen C1853116, MONDO:0012549, OMIM 610743.

Allele frequency attached by ClinVar (database versions not stated): gnomAD 0.00001; gnomAD exomes 0.00002; TOPMed 0.00002.

Submissions (2):

Labcorp Genetics (formerly Invitae), Labcorp
Classification: Uncertain significance for Emery-Dreifuss muscular dystrophy 4, autosomal dominant; Autosomal recessive ataxia, Beauce type. Last evaluated: 2025-08-18. Review status: criteria provided, single submitter. Criteria: Invitae Variant Classification Sherloc (09022015). Collection method: clinical testing. Allele origin: germline.
Comment: This sequence change replaces methionine, which is neutral and non-polar, with threonine, which is neutral and polar, at codon 1804 of the SYNE1 protein (p.Met1804Thr). This variant is present in population databases (no rsID available, gnomAD 0.002%). This variant has not been reported in the literature in individuals affected with SYNE1-related conditions. ClinVar contains an entry for this variant (Variation ID: 471049). An algorithm developed to predict the effect of missense changes on protein structure and function outputs the following: PolyPhen-2: "Benign". The threonine amino acid residue is found in multiple mammalian species, which suggests that this missense change does not adversely affect protein function. In summary, the available evidence is currently insufficient to determine the role of this variant in disease. Therefore, it has been classified as a Variant of Uncertain Significance.

Revvity Omics, Revvity
Classification: Uncertain significance. Last evaluated: 2025-03-19. Review status: criteria provided, single submitter. Criteria: ACMG Guidelines, 2015. Collection method: clinical testing. Allele origin: germline.